The following is an entry in ClinVar:

NM_138694.4(PKHD1):c.11045C>G (p.Ser3682Ter)

Gene: PKHD1 (PKHD1 ciliary IPT domain containing fibrocystin/polyductin; minus strand). Cytogenetic location: 6p12.3.
Variant type: single nucleotide variant.
Coding change: c.11045C>G on transcript NM_138694.4 (MANE Select); coding-DNA position 11045, C replaced by G.
Protein change: p.Ser3682Ter; replaces serine 3682 with a stop codon.
Molecular consequence: nonsense.
Genome position (GRCh38, 1-based): chr6:51,659,081, G>C on the plus strand (C>G on the coding strand, the complement: PKHD1 is on the minus strand). VCF-style: chr6-51659081-G-C. GRCh37 (hg19) VCF-style: chr6-51523879-G-C.
Other names: c.11045C>G (NM_138694.3); short protein forms S3682*.
Identifiers: ClinVar variation 4077427 (VCV004077427.2).

ClinVar aggregate classification (germline): Likely pathogenic. Review status: criteria provided, multiple submitters, no conflicts (2 of 4 stars). 2 submissions from 2 submitters: Likely pathogenic (2). Last evaluated 2025-03-25.

Conditions:
Autosomal recessive polycystic kidney disease (ARPKD). Also called: AR polycystic kidney disease. Identifiers: Orphanet 731, Orphanet 8378, MedGen C0085548, MeSH D017044, MONDO:0009889.
Polycystic kidney disease 4 (PKD4). Also called: POLYCYSTIC KIDNEY AND HEPATIC DISEASE 1; POLYCYSTIC KIDNEY DISEASE, INFANTILE, TYPE I; POLYCYSTIC KIDNEY DISEASE 4 WITH OR WITHOUT POLYCYSTIC LIVER DISEASE; PKD3; Autosomal Recessive Polycystic Kidney Disease – PKHD1. Identifiers: MedGen C4540575, MONDO:0033004, OMIM 263200.

Submissions (2):

Revvity Omics, Revvity
Classification: Likely pathogenic for Polycystic kidney disease 4. Last evaluated: 2025-03-25. Review status: criteria provided, single submitter. Criteria: ACMG Guidelines, 2015. Collection method: clinical testing. Allele origin: germline.

Natera, Inc.
Classification: Likely pathogenic for Autosomal recessive polycystic kidney disease. Last evaluated: 2024-12-30. Review status: criteria provided, single submitter. Criteria: Natera Variant Classification Schema (03/2026). Collection method: clinical testing. Allele origin: germline.
Comment: The c.11045C>G variant in PKHD1 is a nonsense variant predicted to introduce a stop codon at amino acid 3682. This variant is expected to result in nonsense mediated decay, truncation, or a dysfunctional protein product. This variant is rare in the general population with a frequency below the threshold expected for the associated phenotype(s). Given the available evidence, this variant is classified as Likely Pathogenic.